The following is an entry in ClinVar:

ClinVar aggregate classification (germline): Uncertain significance (1 of 4 stars; one submission).

Submission:

Ambry Genetics
Classification: Uncertain significance. Last evaluated: 2024-05-16. Review status: criteria provided, single submitter. Criteria: Ambry Variant Classification Scheme 2023. Collection method: clinical testing. Allele origin: germline.
Comment: The p.L65P variant (also known as c.194T>C), located in coding exon 3 of the RAD54L gene, results from a T to C substitution at nucleotide position 194. The leucine at codon 65 is replaced by proline, an amino acid with similar properties. This amino acid position is conserved. In addition, this alteration is predicted to be deleterious by in silico analysis. Since supporting evidence is limited at this time, the clinical significance of this alteration remains unclear.

NM_003579.4(RAD54L):c.194T>C (p.Leu65Pro)

Gene: RAD54L (RAD54 like; plus strand). Cytogenetic location: 1p34.1.
Variant type: single nucleotide variant.
Coding change: c.194T>C on transcript NM_003579.4 (MANE Select); coding-DNA position 194, T replaced by C.
Protein change: p.Leu65Pro; replaces leucine 65 with proline.
Molecular consequence: missense variant. On other transcripts: 5 prime UTR variant (1).
Genome position (GRCh38, 1-based): chr1:46,250,103, T>C. VCF-style: chr1-46250103-T-C. GRCh37 (hg19) VCF-style: chr1-46715775-T-C.
Other names: c.194T>C, p.Leu65Pro (NM_001142548.2); c.-347T>C (NM_001370766.1); short protein forms L65P.
Identifiers: ClinVar variation 1783203 (VCV001783203.3), dbSNP rs2525632960, ClinGen allele CA340176520.